The following is an entry in ClinVar:

ClinVar aggregate classification (germline): Conflicting classifications of pathogenicity. Review status: criteria provided, conflicting classifications (1 of 4 stars). 3 submissions from 3 submitters: Uncertain significance (2); Likely benign (1). Last evaluated 2025-03-01.

Conditions:
Inborn genetic diseases. Identifiers: MedGen C0950123, MeSH D030342.
Immunodeficiency 35 (IMD35). Also called: TYK2 DEFICIENCY; Susceptibility to infection due to TYK2 deficiency; HIES WITH ATYPICAL MYCOBACTERIOSIS, AUTOSOMAL RECESSIVE; HYPER-IgE SYNDROME WITH ATYPICAL MYCOBACTERIOSIS, AUTOSOMAL RECESSIVE. Identifiers: Orphanet 331226, MedGen C1969086, MONDO:0012682, OMIM 611521.

Allele frequency attached by ClinVar (database versions not stated): gnomAD 0.00006 and 0.00007; gnomAD exomes 0.00006 and 0.00013; TOPMed 0.00010; ExAC 0.00017.
gnomAD v4.1: 107 of 1,611,572 alleles (0.0066%); highest among the groups gnomAD compares: South Asian, 0.087%; no homozygotes.

Submissions (5):

CeGaT Center for Human Genetics Tuebingen
Classification: Uncertain significance. Last evaluated: 2025-03-01. Review status: criteria provided, single submitter. Criteria: CeGaT Center For Human Genetics Tuebingen Variant Classification Criteria Version 2. Collection method: clinical testing. Allele origin: germline. Affected: yes. Observed: 1 variant allele.
Comment: TYK2: PM2, BP4

Labcorp Genetics (formerly Invitae), Labcorp
Classification: Uncertain significance for Immunodeficiency 35. Last evaluated: 2024-11-04. Review status: criteria provided, single submitter. Criteria: Invitae Variant Classification Sherloc (09022015). Collection method: clinical testing. Allele origin: germline.
Comment: This sequence change replaces arginine, which is basic and polar, with glutamine, which is neutral and polar, at codon 221 of the TYK2 protein (p.Arg221Gln). This variant is present in population databases (rs747608147, gnomAD 0.08%). This variant has not been reported in the literature in individuals affected with TYK2-related conditions. ClinVar contains an entry for this variant (Variation ID: 666146). Invitae Evidence Modeling of protein sequence and biophysical properties (such as structural, functional, and spatial information, amino acid conservation, physicochemical variation, residue mobility, and thermodynamic stability) indicates that this missense variant is not expected to disrupt TYK2 protein function with a negative predictive value of 80%. In summary, the available evidence is currently insufficient to determine the role of this variant in disease. Therefore, it has been classified as a Variant of Uncertain Significance.

Ambry Genetics
Classification: Likely benign for Inborn genetic diseases. Last evaluated: 2023-09-12. Review status: criteria provided, single submitter. Criteria: Ambry Variant Classification Scheme 2023. Collection method: clinical testing. Allele origin: germline.

Dr. Peter K. Rogan Lab, Western University
No classification provided (evidence only). Condition: Squamous cell carcinoma of the head and neck. Review status: no classification provided. Collection method: in vitro. Allele origin: not applicable. Functional consequence: retained intron. Not counted in ClinVar's aggregate classification.

Dr. Peter K. Rogan Lab, Western University
No classification provided (evidence only). Condition: Thyroid cancer, nonmedullary, 1. Review status: no classification provided. Collection method: in vitro. Allele origin: not applicable. Functional consequence: retained intron. Not counted in ClinVar's aggregate classification.

NM_003331.5(TYK2):c.662G>A (p.Arg221Gln)

Gene: TYK2 (tyrosine kinase 2; minus strand). Cytogenetic location: 19p13.2.
Variant type: single nucleotide variant.
Coding change: c.662G>A on transcript NM_003331.5 (MANE Select); coding-DNA position 662, G replaced by A.
Protein change: p.Arg221Gln; replaces arginine 221 with glutamine.
Molecular consequence: missense variant.
Genome position (GRCh38, 1-based): chr19:10,365,866, C>T on the plus strand (G>A on the coding strand, the complement: TYK2 is on the minus strand). VCF-style: chr19-10365866-C-T. GRCh37 (hg19) VCF-style: chr19-10476542-C-T.
Other names: c.662G>A (LRG_121t1); short protein forms R221Q.
Identifiers: ClinVar variation 666146 (VCV000666146.17), dbSNP rs747608147, ClinGen allele CA9193652.